The following is an entry in ClinVar:

Conditions:
Breast-ovarian cancer, familial, susceptibility to, 1 (BROVCA1). Also called: BRCA1 Hereditary Breast and Ovarian Cancer; OVARIAN CANCER, SUSCEPTIBILITY TO. Identifiers: Orphanet 145, MedGen C2676676, MONDO:0011450, OMIM 604370. Disease mechanism: loss of function.

Submission:

Brotman Baty Institute, University of Washington
No classification provided (evidence only). Condition: Breast-ovarian cancer, familial 1. Review status: no classification provided. Collection method: in vitro. Allele origin: not applicable. Functional consequence: functionally_normal.
ClinVar note: "not provided" was previously submitted as the classification for the variant. However, the classification appeared to be based only on an observation of functional data so it was converted to no classification on 2025-07-30.

NM_007294.4(BRCA1):c.5080G>C (p.Glu1694Gln)

Gene: BRCA1 (BRCA1 DNA repair associated; minus strand). Cytogenetic location: 17q21.31.
Variant type: single nucleotide variant.
Coding change: c.5080G>C on transcript NM_007294.4 (MANE Select); coding-DNA position 5080, G replaced by C.
Protein change: p.Glu1694Gln; replaces glutamic acid 1694 with glutamine.
Molecular consequence: missense variant. On other transcripts: non-coding transcript variant (1).
Genome position (GRCh38, 1-based): chr17:43,063,946, C>G on the plus strand (G>C on the coding strand, the complement: BRCA1 is on the minus strand). VCF-style: chr17-43063946-C-G. GRCh37 (hg19) VCF-style: chr17-41215963-C-G.
Other names: c.1444G>C, p.Glu482Gln (NM_001408506.1); c.1441G>C, p.Glu481Gln (NM_001408507.1); c.1432G>C, p.Glu478Gln (NM_001408508.1); c.1429G>C, p.Glu477Gln (NM_001408509.1); c.1390G>C, p.Glu464Gln (NM_001408510.1); c.1387G>C, p.Glu463Gln (NM_001408511.1); c.1267G>C, p.Glu423Gln (NM_001408512.1); c.1240G>C, p.Glu414Gln (NM_001408513.1); and 71 more; short protein forms E1647Q, E1694Q, E1715Q, E590Q, E1540Q, E1604Q, E1650Q, E1651Q.
Identifiers: ClinVar variation 867625 (VCV000867625.3), dbSNP rs80356896, ClinGen allele CA10591363.